The following is an entry in ClinVar:

NC_000004.11:g.(?_128886217)_(128886288_?)del

Gene: MFSD8 (major facilitator superfamily domain containing 8; minus strand). Cytogenetic location: 4q28.2.
Variant type: Deletion.
Identifiers: ClinVar variation 1069576 (VCV001069576.1).

ClinVar aggregate classification (germline): Pathogenic (1 of 4 stars; one submission).

Conditions:
Neuronal ceroid lipofuscinosis 7 (CLN7). Also called: MFSD8-Related Neuronal Ceroid-Lipofuscinosis. Identifiers: Orphanet 168491, Orphanet 228366, MedGen C1838571, MONDO:0012588, OMIM 610951.

Submission:

Labcorp Genetics (formerly Invitae), Labcorp
Classification: Pathogenic for Neuronal ceroid lipofuscinosis 7. Last evaluated: 2020-05-25. Review status: criteria provided, single submitter. Criteria: Invitae Variant Classification Sherloc (09022015). Collection method: clinical testing. Allele origin: germline.
Comment: This variant is a gross deletion of the genomic region encompassing exon 2 of the MFSD8 gene, which includes the initiator codon This is expected to result in an absent or disrupted protein product. This variant has not been reported in the literature in individuals with MFSD8-related conditions. Loss-of-function variants in MFSD8 are known to be pathogenic (PMID: 19177532, 25227500, 28586915). For these reasons, this variant has been classified as Pathogenic.

Literature cited by the submitters: PubMed 19177532; PubMed 25227500; PubMed 28586915.